The following is an entry in ClinVar:

ClinVar aggregate classification (germline): Benign/Likely benign. Review status: criteria provided, multiple submitters, no conflicts (2 of 4 stars). 18 submissions from 15 submitters: Benign (5); Likely benign (11). 2 of the submissions do not count toward it. Last evaluated 2026-02-03.

Conditions:
Hereditary cancer-predisposing syndrome. Also called: Neoplastic Syndromes, Hereditary; Hereditary neoplastic syndrome; Hereditary Cancer Syndrome; Tumor predisposition. Identifiers: Orphanet 140162, MedGen C0027672, MeSH D009386, MONDO:0015356.
Multiple endocrine neoplasia. Identifiers: Orphanet 276161, MedGen C0027662, MONDO:0017169.
Multiple endocrine neoplasia, type 2 (MEN2). Identifiers: Orphanet 653, MedGen C4048306, MONDO:0019003. Disease mechanism: gain of function.
Hirschsprung disease, susceptibility to, 1 (HSCR1). Also called: RET-Related Hirschsprung Disease. Identifiers: Orphanet 388, MedGen C3888239, MONDO:0007723, OMIM 142623.
Multiple endocrine neoplasia type 2A. Also called: Multiple Endocrine Neoplasia Type 2A (MEN2A); MULTIPLE ENDOCRINE NEOPLASIA, TYPE IIA; PTC SYNDROME; SIPPLE SYNDROME; MEN 2A; MEN-2A syndrome. Identifiers: Orphanet 247698, Orphanet 653, MedGen C0025268, MeSH D018813, MONDO:0008234, OMIM 171400.
Renal hypodysplasia/aplasia 1 (RHDA1). Also called: HEREDITARY RENAL APLASIA; RENAL APLASIA. Identifiers: Orphanet 411709, MedGen C1619700, MONDO:0024519, OMIM 191830.
Pheochromocytoma. Also called: MAX-Related Hereditary Paraganglioma-Pheochromocytoma Syndrome. Identifiers: Orphanet 29072, MedGen C0031511, MONDO:0008233, OMIM 171300, HP:0002666.

Allele frequency attached by ClinVar (database versions not stated): ExAC 0.00103; gnomAD 0.00060 and 0.00036; 1000 Genomes Project 0.00559; 1000 Genomes Project 30x 0.00547; TOPMed 0.00053.
gnomAD v4.1: 646 of 1,613,870 alleles (0.04%); highest among the groups gnomAD compares: East Asian, 0.84%; 6 homozygotes.

Submissions (18):

Labcorp Genetics (formerly Invitae), Labcorp
Classification: Benign for Multiple endocrine neoplasia, type 2. Last evaluated: 2026-02-03. Review status: criteria provided, single submitter. Criteria: Invitae Variant Classification Sherloc (09022015). Collection method: clinical testing. Allele origin: germline.

CeGaT Center for Human Genetics Tuebingen
Classification: Likely benign. Last evaluated: 2026-02-01. Review status: criteria provided, single submitter. Criteria: CeGaT Center For Human Genetics Tuebingen Variant Classification Criteria Version 2. Collection method: clinical testing. Allele origin: germline. Affected: yes. Observed: 3 variant alleles.
Comment: RET: BP4, BS1

ARUP Laboratories, Molecular Genetics and Genomics, ARUP Laboratories
Classification: Likely benign. Last evaluated: 2025-07-07. Review status: criteria provided, single submitter. Criteria: ARUP Molecular Germline Variant Investigation Process 2024. Collection method: clinical testing. Allele origin: germline.

Blueprint Genetics
Classification: Likely benign. Last evaluated: 2024-11-06. Review status: criteria provided, single submitter. Criteria: ACMG Guidelines, 2015. Collection method: clinical testing. Allele origin: germline.

Women's Health and Genetics/Laboratory Corporation of America, LabCorp
Classification: Likely benign. Last evaluated: 2024-03-02. Review status: criteria provided, single submitter. Criteria: LabCorp Variant Classification Summary - May 2015. Collection method: clinical testing. Allele origin: germline.

St. Jude Molecular Pathology, St. Jude Children's Research Hospital
Classification: Likely benign for Multiple endocrine neoplasia type 2A. Last evaluated: 2022-11-10. Review status: criteria provided, single submitter. Criteria: ACMG Guidelines, 2015. Collection method: clinical testing. Allele origin: germline. Affected: yes.

Color Diagnostics, LLC DBA Color Health
Classification: Benign for Multiple endocrine neoplasia, type 2. Last evaluated: 2022-09-29. Review status: criteria provided, single submitter. Criteria: ACMG Guidelines, 2015. Collection method: clinical testing. Allele origin: germline.

Sema4
Classification: Likely benign for Hereditary cancer-predisposing syndrome. Last evaluated: 2021-03-08. Review status: criteria provided, single submitter. Criteria: Sema4 Curation Guidelines. Collection method: curation. Allele origin: germline.

Genetic Services Laboratory, University of Chicago
Classification: Benign. Last evaluated: 2021-01-07. Review status: criteria provided, single submitter. Criteria: ACMG Guidelines, 2015. Collection method: clinical testing. Allele origin: germline. Affected: no.

Illumina Laboratory Services, Illumina
Classification: Likely benign for Pheochromocytoma. Last evaluated: 2018-06-04. Review status: criteria provided, single submitter. Criteria: ICSL Variant Classification Criteria 13 December 2019. Collection method: clinical testing. Allele origin: germline.
Comment: This variant was observed as part of a predisposition screen in an ostensibly healthy population. A literature search was performed for the gene, cDNA change, and amino acid change (where applicable). Publications were found based on this search. The evidence from the literature, in combination with allele frequency data from public databases where available, was sufficient to determine this variant is unlikely to cause disease. Therefore, this variant is classified as likely benign.

Illumina Laboratory Services, Illumina
Classification: Likely benign for Multiple endocrine neoplasia. Last evaluated: 2018-06-04. Review status: criteria provided, single submitter. Criteria: ICSL Variant Classification Criteria 13 December 2019. Collection method: clinical testing. Allele origin: germline.
Comment: the same text as in the submission from Illumina Laboratory Services, Illumina above.

Illumina Laboratory Services, Illumina
Classification: Likely benign for Renal hypodysplasia/aplasia 1. Last evaluated: 2018-06-04. Review status: criteria provided, single submitter. Criteria: ICSL Variant Classification Criteria 13 December 2019. Collection method: clinical testing. Allele origin: germline.
Comment: the same text as in the submission from Illumina Laboratory Services, Illumina above.

Illumina Laboratory Services, Illumina
Classification: Likely benign for Hirschsprung disease, susceptibility to, 1. Last evaluated: 2018-06-04. Review status: criteria provided, single submitter. Criteria: ICSL Variant Classification Criteria 13 December 2019. Collection method: clinical testing. Allele origin: germline.
Comment: the same text as in the submission from Illumina Laboratory Services, Illumina above.

PreventionGenetics, part of Exact Sciences
Classification: Benign. Last evaluated: 2017-05-04. Review status: criteria provided, single submitter. Criteria: ACMG Guidelines, 2015. Collection method: clinical testing. Allele origin: germline.

Center for Pediatric Genomic Medicine, Children's Mercy Hospital and Clinics
Classification: Likely benign. Last evaluated: 2017-04-12. Review status: criteria provided, single submitter. Criteria: ACMG Guidelines, 2015. Collection method: clinical testing. Allele origin: germline.

Ambry Genetics
Classification: Benign for Hereditary cancer-predisposing syndrome. Last evaluated: 2015-01-07. Review status: criteria provided, single submitter. Criteria: Ambry Variant Classification Scheme 2023. Collection method: clinical testing. Allele origin: germline.

ITMI
No classification provided. Condition: AllHighlyPenetrant. Last evaluated: 2013-09-19. Review status: no classification provided. Collection method: reference population. Allele origin: germline. Not counted in ClinVar's aggregate classification.
Comment: Please see associated publication for description of ethnicities

Biesecker Lab/Clinical Genomics Section, National Institutes of Health
Classification: Uncertain significance. Last evaluated: 2012-07-13. Review status: no assertion criteria provided. Collection method: research. Allele origin: germline. Affected: no. Observed: 2 variant alleles. Study: ClinSeq. Not counted in ClinVar's aggregate classification.
ClinVar note: Converted during submission from variant of unknown significance to Uncertain significance.

Literature cited by the submitters: PubMed 24728327 (cited by Illumina Laboratory Services, Illumina and ITMI); PubMed 21655256 (cited by Illumina Laboratory Services, Illumina); PubMed 14627689 (cited by Illumina Laboratory Services, Illumina); PubMed 14566559 (cited by Illumina Laboratory Services, Illumina); PubMed 18772120 (cited by Illumina Laboratory Services, Illumina).

NM_020975.6(RET):c.200G>A (p.Arg67His)

Gene: RET (ret proto-oncogene; plus strand). Cytogenetic location: 10q11.21.
Variant type: single nucleotide variant.
Coding change: c.200G>A on transcript NM_020975.6 (MANE Select); coding-DNA position 200, G replaced by A.
Protein change: p.Arg67His; replaces arginine 67 with histidine.
Molecular consequence: missense variant.
Genome position (GRCh38, 1-based): chr10:43,100,585, G>A. VCF-style: chr10-43100585-G-A. GRCh37 (hg19) VCF-style: chr10-43596033-G-A.
Other names: c.200G>A, p.Arg67His (NM_000323.2, NM_001406743.1, NM_001406744.1 and 34 more transcripts); short protein forms R67H.
Identifiers: ClinVar variation 41839 (VCV000041839.49), dbSNP rs192489011, ClinGen allele CA008548.